The following is an entry in ClinVar:

ClinVar aggregate classification (germline): Uncertain significance (1 of 4 stars; one submission).

Conditions:
Peroxisome biogenesis disorder, complementation group 7 (CG7). Also called: Peroxisome biogenesis disorder, complementation group B. Identifiers: MedGen C1864399.

Allele frequency attached by ClinVar (database versions not stated): gnomAD exomes 0.00001; TOPMed 0.00003; ExAC 0.00033.

Submission:

Labcorp Genetics (formerly Invitae), Labcorp
Classification: Uncertain significance for Peroxisome biogenesis disorder, complementation group 7. Last evaluated: 2022-10-24. Review status: criteria provided, single submitter. Criteria: Invitae Variant Classification Sherloc (09022015). Collection method: clinical testing. Allele origin: germline.
Comment: This sequence change replaces alanine, which is neutral and non-polar, with valine, which is neutral and non-polar, at codon 14 of the PEX10 protein (p.Ala14Val). The frequency data for this variant in the population databases is considered unreliable, as metrics indicate poor data quality at this position in the gnomAD database. This variant has not been reported in the literature in individuals affected with PEX10-related conditions. Algorithms developed to predict the effect of missense changes on protein structure and function are either unavailable or do not agree on the potential impact of this missense change (SIFT: "Deleterious"; PolyPhen-2: "Possibly Damaging"; Align-GVGD: "Class C0"). In summary, the available evidence is currently insufficient to determine the role of this variant in disease. Therefore, it has been classified as a Variant of Uncertain Significance.

NM_002617.4(PEX10):c.41C>T (p.Ala14Val)

Gene: PEX10 (peroxisomal biogenesis factor 10; minus strand). Cytogenetic location: 1p36.32.
Variant type: single nucleotide variant.
Coding change: c.41C>T on transcript NM_002617.4 (MANE Select); coding-DNA position 41, C replaced by T.
Protein change: p.Ala14Val; replaces alanine 14 with valine.
Molecular consequence: missense variant. On other transcripts: intron variant (2).
Genome position (GRCh38, 1-based): chr1:2,412,462, G>A on the plus strand (C>T on the coding strand, the complement: PEX10 is on the minus strand). VCF-style: chr1-2412462-G-A. GRCh37 (hg19) VCF-style: chr1-2343901-G-A.
Other names: c.41C>T, p.Ala14Val (NM_001374425.1, NM_153818.2); c.-321+1135C>T (NM_001374427.1, NM_001374426.1); short protein forms A14V.
Identifiers: ClinVar variation 2048251 (VCV002048251.1), dbSNP rs747149152, ClinGen allele CA538315.
Genomic context (GRCh38, chr1:2,412,462, plus strand): 5'-TGCAGGGCGCCGCCCGCCGCGCTCCGCAGCCCACCGCGGTAGTACTCGTCCTTCTGCGCC[G>A]CGCGGATCACCTCCGGGGGGCTGGCGGCGGCCGGGGCCATGGCCGCGGGTTCGGGTGGTC-3'
Protein context (NP_002608.1, residues 4-24): AAASPPEVIR[Ala14Val]AQKDEYYRGG